The following is an entry in ClinVar:

ClinVar aggregate classification (germline): Benign. Review status: criteria provided, multiple submitters, no conflicts (2 of 4 stars). 3 submissions from 3 submitters: Benign (3). Last evaluated 2026-02-04.

Allele frequency attached by ClinVar (database versions not stated): gnomAD exomes 0.18986 and 0.19874; 1000 Genomes Project 0.21126; 1000 Genomes Project 30x 0.21205; gnomAD 0.21567 and 0.21889; TOPMed 0.21795; ESP Exome Variant Server 0.22143; ExAC 0.26094.
gnomAD v4.1: 314,032 of 1,566,556 alleles (20%); highest among the groups gnomAD compares: African/African-American, 28%; 32,364 homozygotes.

Submissions (3):

Labcorp Genetics (formerly Invitae), Labcorp
Classification: Benign. Last evaluated: 2026-02-04. Review status: criteria provided, single submitter. Criteria: Invitae Variant Classification Sherloc (09022015). Collection method: clinical testing. Allele origin: germline.

Laboratory for Molecular Medicine, Mass General Brigham Personalized Medicine
Classification: Benign. Last evaluated: 2016-03-29. Review status: criteria provided, single submitter. Criteria: LMM Criteria. Collection method: clinical testing. Allele origin: germline.
Comment: Variant identified in a genome or exome case(s) and assessed due to predicted null impact of the variant or pathogenic assertions in the literature or databases. Disclaimer: This variant has not undergone full assessment. The following are preliminary notes: Frequency

Breakthrough Genomics
Classification: Benign. Review status: criteria provided, single submitter. Criteria: ACMG Guidelines, 2015. Collection method: not provided. Allele origin: germline. Inheritance: Unknown mechanism. Affected: yes.

NM_005428.4(VAV1):c.450-13T>C

Gene: VAV1 (vav guanine nucleotide exchange factor 1; plus strand). Cytogenetic location: 19p13.3.
Variant type: single nucleotide variant.
Coding change: c.450-13T>C on transcript NM_005428.4 (MANE Select); 13 bases into the intron before coding-DNA position 450, T replaced by C.
Molecular consequence: intron variant.
Genome position (GRCh38, 1-based): chr19:6,822,208, T>C. VCF-style: chr19-6822208-T-C. GRCh37 (hg19) VCF-style: chr19-6822219-T-C.
Other names: c.450-13T>C (NM_001258206.2, NM_001258207.2).
Identifiers: ClinVar variation 403602 (VCV000403602.15), dbSNP rs347033, ClinGen allele CA9132241.